The following is an entry in ClinVar:

NM_006445.4(PRPF8):c.2993G>A (p.Arg998His)

Gene: PRPF8 (pre-mRNA processing factor 8; minus strand). Cytogenetic location: 17p13.3.
Variant type: single nucleotide variant.
Coding change: c.2993G>A on transcript NM_006445.4 (MANE Select); coding-DNA position 2993, G replaced by A.
Protein change: p.Arg998His; replaces arginine 998 with histidine.
Molecular consequence: missense variant.
Genome position (GRCh38, 1-based): chr17:1,675,219, C>T on the plus strand (G>A on the coding strand, the complement: PRPF8 is on the minus strand). VCF-style: chr17-1675219-C-T. GRCh37 (hg19) VCF-style: chr17-1578513-C-T.
Other names: short protein forms R998H.
Identifiers: ClinVar variation 4975516 (VCV004975516.1).

ClinVar aggregate classification (germline): Uncertain significance (1 of 4 stars; one submission).

gnomAD v4.1: 1 of 1,614,136 alleles (0.000062%); no homozygotes.

Submission:

GeneDx
Classification: Uncertain significance. Last evaluated: 2026-01-23. Review status: criteria provided, single submitter. Criteria: GeneDx Variant Classification Process June 2021. Collection method: clinical testing. Allele origin: germline.
Comment: Not observed at significant frequency in large population cohorts (gnomAD); In silico analysis supports that this missense variant has a deleterious effect on protein structure/function; Has not been previously published as pathogenic or benign to our knowledge